The following is an entry in ClinVar:

NM_000535.7(PMS2):c.638C>A (p.Pro213His)

Gene: PMS2 (PMS1 homolog 2, mismatch repair system component; minus strand). Cytogenetic location: 7p22.1.
Variant type: single nucleotide variant.
Coding change: c.638C>A on transcript NM_000535.7 (MANE Select); coding-DNA position 638, C replaced by A.
Protein change: p.Pro213His; replaces proline 213 with histidine.
Molecular consequence: missense variant. On other transcripts: 5 prime UTR variant (2), non-coding transcript variant (1), intron variant (1).
Genome position (GRCh38, 1-based): chr7:5,999,175, G>T on the plus strand (C>A on the coding strand, the complement: PMS2 is on the minus strand). VCF-style: chr7-5999175-G-T. GRCh37 (hg19) VCF-style: chr7-6038806-G-T.
Other names: c.233C>A, p.Pro78His (NM_001018040.1, NM_001322003.2, NM_001322004.2 and 20 more transcripts); c.638C>A, p.Pro213His (NM_001322006.2, NM_001322014.2, NM_001406870.1 and 4 more transcripts); c.320C>A, p.Pro107His (NM_001322007.2, NM_001322008.2, NM_001406876.1 and 4 more transcripts); c.-296C>A (NM_001322011.2, NM_001322012.2); c.329C>A, p.Pro110His (NM_001322015.2, NM_001406875.1, NM_001406877.1 and 6 more transcripts); c.824C>A, p.Pro275His (NM_001406866.1); c.662C>A, p.Pro221His (NM_001406868.1); c.302C>A, p.Pro101His (NM_001406885.1); and 1 more; short protein forms P107H, P110H, P221H, P78H, P213H, P275H, P101H.
Identifiers: ClinVar variation 1753213 (VCV001753213.2), dbSNP rs1784803938, ClinGen allele CA366743936.

ClinVar aggregate classification (germline): Uncertain significance (1 of 4 stars; one submission).

Conditions:
Hereditary cancer-predisposing syndrome. Also called: Neoplastic Syndromes, Hereditary; Tumor predisposition; Hereditary Cancer Syndrome; Hereditary neoplastic syndrome. Identifiers: Orphanet 140162, MedGen C0027672, MeSH D009386, MONDO:0015356.

Submission:

Ambry Genetics
Classification: Uncertain significance for Hereditary cancer-predisposing syndrome. Last evaluated: 2020-01-08. Review status: criteria provided, single submitter. Criteria: Ambry Variant Classification Scheme 2023. Collection method: clinical testing. Allele origin: germline.
Comment: The p.P213H variant (also known as c.638C>A), located in coding exon 6 of the PMS2 gene, results from a C to A substitution at nucleotide position 638. The proline at codon 213 is replaced by histidine, an amino acid with similar properties. This amino acid position is not well conserved in available vertebrate species. In addition, the in silico prediction for this alteration is inconclusive. Since supporting evidence is limited at this time, the clinical significance of this alteration remains unclear.